The following is an entry in ClinVar:

NM_000439.5(PCSK1):c.1196+8C>A

Genes: CAST (calpastatin; plus strand), PCSK1 (proprotein convertase subtilisin/kexin type 1; minus strand), LOC101929710 (uncharacterized LOC101929710; plus strand). Cytogenetic location: 5q15.
Variant type: single nucleotide variant.
Coding change: c.1196+8C>A on transcript NM_000439.5 (MANE Select); 8 bases into the intron after coding-DNA position 1196, C replaced by A.
Molecular consequence: intron variant.
Genome position (GRCh38, 1-based): chr5:96,408,215, G>T on the plus strand (C>A on the coding strand, the complement: PCSK1 is on the minus strand). VCF-style: chr5-96408215-G-T. GRCh37 (hg19) VCF-style: chr5-95743919-G-T.
Other names: c.-175+28563G>T (NM_001423254.1, NM_001423259.1, NM_001423255.1 and 6 more transcripts); c.-103+28563G>T (NM_001423253.1); c.-40+28563G>T (NM_001423258.1); c.1055+8C>A (NM_001177875.2).
Identifiers: ClinVar variation 3058407 (VCV003058407.2), dbSNP rs1760635990, ClinGen allele CA445493689.

ClinVar aggregate classification (germline): Likely benign (0 of 4 stars; one submission).

Conditions:
PCSK1-related disorder. Also called: PCSK1-related condition.

Submission:

PreventionGenetics, part of Exact Sciences
Classification: Likely benign for PCSK1-related condition. Last evaluated: 2021-12-10. Review status: no assertion criteria provided. Collection method: clinical testing. Allele origin: germline.
Comment: This variant is classified as likely benign based on ACMG/AMP sequence variant interpretation guidelines (Richards et al. 2015 PMID: 25741868, with internal and published modifications).